The following is an entry in ClinVar:

ClinVar aggregate classification (germline): Uncertain significance (1 of 4 stars; one submission).

Conditions:
Primary ciliary dyskinesia. Also called: Ciliary dyskinesia. Identifiers: Orphanet 244, MedGen C0008780, MONDO:0016575, HP:0012265.

Allele frequency attached by ClinVar (database versions not stated): ExAC 0.00001; gnomAD exomes 0.00001; gnomAD 0.00003; TOPMed 0.00003.
gnomAD v4.1: 16 of 1,614,028 alleles (0.00099%); highest among the groups gnomAD compares: Admixed American, 0.017%; no homozygotes.

Submission:

Labcorp Genetics (formerly Invitae), Labcorp
Classification: Uncertain significance for Primary ciliary dyskinesia. Last evaluated: 2022-09-01. Review status: criteria provided, single submitter. Criteria: Invitae Variant Classification Sherloc (09022015). Collection method: clinical testing. Allele origin: germline.
Comment: This sequence change replaces proline, which is neutral and non-polar, with serine, which is neutral and polar, at codon 169 of the DNAAF3 protein (p.Pro169Ser). This variant is present in population databases (rs745672775, gnomAD 0.01%). This variant has not been reported in the literature in individuals affected with DNAAF3-related conditions. Algorithms developed to predict the effect of missense changes on protein structure and function are either unavailable or do not agree on the potential impact of this missense change (SIFT: "Deleterious"; PolyPhen-2: "Possibly Damaging"; Align-GVGD: "Class C0"). In summary, the available evidence is currently insufficient to determine the role of this variant in disease. Therefore, it has been classified as a Variant of Uncertain Significance.

NM_001256715.2(DNAAF3):c.301C>T (p.Pro101Ser)

Genes: DNAAF3 (dynein axonemal assembly factor 3; minus strand), DNAAF3-AS1 (DNAAF3 antisense RNA 1; plus strand). Cytogenetic location: 19q13.42.
Variant type: single nucleotide variant.
Coding change: c.301C>T on transcript NM_001256715.2 (MANE Select); coding-DNA position 301, C replaced by T.
Protein change: p.Pro101Ser; replaces proline 101 with serine.
Molecular consequence: missense variant.
Genome position (GRCh38, 1-based): chr19:55,165,391, G>A on the plus strand (C>T on the coding strand, the complement: DNAAF3 is on the minus strand). VCF-style: chr19-55165391-G-A. GRCh37 (hg19) VCF-style: chr19-55676759-G-A.
Other names: c.505C>T, p.Pro169Ser (NM_001256714.1); c.139C>T, p.Pro47Ser (NM_001256716.2); c.442C>T, p.Pro148Ser (NM_178837.4); short protein forms P169S, P148S, P101S, P47S.
Identifiers: ClinVar variation 1964059 (VCV001964059.4), dbSNP rs745672775, ClinGen allele CA9668175.